The following is an entry in ClinVar:

NM_001267550.2(TTN):c.48227_48229delinsAAA (p.Trp16076_Glu16077delinsTer)

Genes: TTN (titin; minus strand), TTN-AS1 (TTN antisense RNA 1; plus strand). Cytogenetic location: 2q31.2.
Variant type: Indel.
Coding change: c.48227_48229delinsAAA on transcript NM_001267550.2 (MANE Select); coding-DNA positions 48227 to 48229, GGG replaced by AAA.
Protein change: p.Trp16076_Glu16077delinsTer.
Molecular consequence: nonsense.
Genome position (GRCh38, 1-based): chr2:178,616,562-178,616,564, CCC replaced by TTT on the plus strand (GGG replaced by AAA on the coding strand, the reverse complement: TTN is on the minus strand). VCF-style: chr2-178616562-CCC-TTT. GRCh37 (hg19) VCF-style: chr2-179481289-CCC-TTT.
Other names: c.43304_43306delinsAAA, p.Trp14435_Glu14436delinsTer (NM_001256850.1); c.21032_21034delinsAAA, p.Trp7011_Glu7012delinsTer (NM_003319.4); c.40523_40525delinsAAA, p.Trp13508_Glu13509delinsTer (NM_133378.4); c.21407_21409delinsAAA, p.Trp7136_Glu7137delinsTer (NM_133432.3); c.21608_21610delinsAAA, p.Trp7203_Glu7204delinsTer (NM_133437.4); c.48227_48229delGGGinsAAA (NM_001267550.2).
Identifiers: ClinVar variation 534998 (VCV000534998.11), dbSNP rs1553706971, ClinGen allele CA658796074.

ClinVar aggregate classification (germline): Likely pathogenic. Review status: criteria provided, multiple submitters, no conflicts (2 of 4 stars). 2 submissions from 2 submitters: Likely pathogenic (2). Last evaluated 2024-11-03.

Conditions:
Autosomal recessive limb-girdle muscular dystrophy type 2J (LGMDR10). Also called: Limb-girdle muscular dystrophy, type 2J; MUSCULAR DYSTROPHY, LIMB-GIRDLE, AUTOSOMAL RECESSIVE 10. Identifiers: Orphanet 140922, MedGen C1837342, MONDO:0012127, OMIM 608807.
Dilated cardiomyopathy 1G (CMD1G). Identifiers: Orphanet 154, MedGen C1858763, MONDO:0011400, OMIM 604145.

Submissions (2):

Revvity Omics, Revvity
Classification: Likely pathogenic. Last evaluated: 2024-11-03. Review status: criteria provided, single submitter. Criteria: ACMG Guidelines, 2015. Collection method: clinical testing. Allele origin: germline.

Labcorp Genetics (formerly Invitae), Labcorp
Classification: Likely pathogenic for Dilated cardiomyopathy 1G; Autosomal recessive limb-girdle muscular dystrophy type 2J. Last evaluated: 2022-12-06. Review status: criteria provided, single submitter. Criteria: Invitae Variant Classification Sherloc (09022015). Collection method: clinical testing. Allele origin: germline.
Comment: Information on the frequency of this variant in the gnomAD database is not available, as this variant may be reported differently in the database. This premature translational stop signal has been observed in individual(s) with clinical features of TTN-related conditions (Invitae). ClinVar contains an entry for this variant (Variation ID: 534998). This variant is located in the A band of TTN (PMID: 25589632). Truncating variants in this region are significantly overrepresented in patients affected with dilated cardiomyopathy (PMID: 25589632). Truncating variants in this region have also been reported in individuals affected with autosomal recessive centronuclear myopathy (PMID: 23975875). In summary, the currently available evidence indicates that the variant is pathogenic, but additional data are needed to prove that conclusively. Therefore, this variant has been classified as Likely Pathogenic. This sequence change creates a premature translational stop signal (p.Trp16076*) in the TTN gene. While this is not anticipated to result in nonsense mediated decay, it is expected to create a truncated TTN protein.

Literature cited by the submitters: PubMed 25589632 (cited by Labcorp Genetics (formerly Invitae), Labcorp); PubMed 23975875 (cited by Labcorp Genetics (formerly Invitae), Labcorp).